The following is an entry in ClinVar:

ClinVar aggregate classification (germline): Uncertain significance. Review status: criteria provided, multiple submitters, no conflicts (2 of 4 stars). 2 submissions from 2 submitters: Uncertain significance (2). Last evaluated 2025-12-11.

Conditions:
Pityriasis rubra pilaris (PRP). Also called: Pityriasis rubra pilaris--familial type. Identifiers: Orphanet 2897, MedGen C0032027, MONDO:0100017, OMIM 173200, MONDO:0008251.
Psoriasis 2. Identifiers: MedGen C1864497, MONDO:0011269, OMIM 602723.
Inborn genetic diseases. Identifiers: MedGen C0950123, MeSH D030342.

Allele frequency attached by ClinVar (database versions not stated): TOPMed below 0.00001; gnomAD exomes 0.00001; ExAC 0.00002.

Submissions (2):

Ambry Genetics
Classification: Uncertain significance for Inborn genetic diseases. Last evaluated: 2025-12-11. Review status: criteria provided, single submitter. Criteria: Ambry Variant Classification Scheme 2023. Collection method: clinical testing. Allele origin: germline.

Labcorp Genetics (formerly Invitae), Labcorp
Classification: Uncertain significance for Pityriasis rubra pilaris; Psoriasis 2. Last evaluated: 2023-12-11. Review status: criteria provided, single submitter. Criteria: Invitae Variant Classification Sherloc (09022015). Collection method: clinical testing. Allele origin: germline.
Comment: This sequence change replaces glutamic acid, which is acidic and polar, with alanine, which is neutral and non-polar, at codon 374 of the CARD14 protein (p.Glu374Ala). This variant is present in population databases (rs757353801, gnomAD 0.006%). This variant has not been reported in the literature in individuals affected with CARD14-related conditions. ClinVar contains an entry for this variant (Variation ID: 2419962). Advanced modeling of protein sequence and biophysical properties (such as structural, functional, and spatial information, amino acid conservation, physicochemical variation, residue mobility, and thermodynamic stability) performed at Invitae indicates that this missense variant is not expected to disrupt CARD14 protein function with a negative predictive value of 80%. In summary, the available evidence is currently insufficient to determine the role of this variant in disease. Therefore, it has been classified as a Variant of Uncertain Significance.

NM_001366385.1(CARD14):c.1121A>C (p.Glu374Ala)

Gene: CARD14 (caspase recruitment domain family member 14; plus strand). Cytogenetic location: 17q25.3.
Variant type: single nucleotide variant.
Coding change: c.1121A>C on transcript NM_001366385.1 (MANE Select); coding-DNA position 1121, A replaced by C.
Protein change: p.Glu374Ala; replaces glutamic acid 374 with alanine.
Molecular consequence: missense variant. On other transcripts: non-coding transcript variant (1).
Genome position (GRCh38, 1-based): chr17:80,191,354, A>C. VCF-style: chr17-80191354-A-C. GRCh37 (hg19) VCF-style: chr17-78165153-A-C.
Other names: c.1121A>C, p.Glu374Ala (NM_001257970.1, NM_024110.4); c.410A>C, p.Glu137Ala (NM_052819.3); c.1121A>C (NM_024110.3); short protein forms E137A, E374A.
Identifiers: ClinVar variation 2419962 (VCV002419962.8), dbSNP rs757353801, ClinGen allele CA8816685.